The following is an entry in ClinVar:

NM_002439.5(MSH3):c.2719A>G (p.Lys907Glu)

Gene: MSH3 (mutS homolog 3; plus strand). Cytogenetic location: 5q14.1.
Variant type: single nucleotide variant.
Coding change: c.2719A>G on transcript NM_002439.5 (MANE Select); coding-DNA position 2719, A replaced by G.
Protein change: p.Lys907Glu; replaces lysine 907 with glutamic acid.
Molecular consequence: missense variant.
Genome position (GRCh38, 1-based): chr5:80,813,647, A>G. VCF-style: chr5-80813647-A-G. GRCh37 (hg19) VCF-style: chr5-80109466-A-G.
Other names: short protein forms K907E.
Identifiers: ClinVar variation 4111120 (VCV004111120.1).

ClinVar aggregate classification (germline): Uncertain significance (1 of 4 stars; one submission).

Conditions:
Hereditary cancer-predisposing syndrome. Also called: Tumor predisposition; Neoplastic Syndromes, Hereditary; Hereditary neoplastic syndrome; Hereditary Cancer Syndrome. Identifiers: Orphanet 140162, MedGen C0027672, MeSH D009386, MONDO:0015356.

Submission:

Ambry Genetics
Classification: Uncertain significance for Hereditary cancer-predisposing syndrome. Last evaluated: 2025-08-30. Review status: criteria provided, single submitter. Criteria: Ambry Variant Classification Scheme 2023. Collection method: clinical testing. Allele origin: germline.
Comment: The p.K907E variant (also known as c.2719A>G), located in coding exon 20 of the MSH3 gene, results from an A to G substitution at nucleotide position 2719. The lysine at codon 907 is replaced by glutamic acid, an amino acid with similar properties. This amino acid position is conserved. In addition, the in silico prediction for this alteration is inconclusive. Based on the available evidence, the clinical significance of this variant remains unclear.